The following is an entry in ClinVar:

ClinVar aggregate classification (germline): Uncertain significance. Review status: criteria provided, single submitter (1 of 4 stars). 2 submissions from 2 submitters: Uncertain significance (1). 1 of the submissions does not count toward it. Last evaluated 2022-04-24.

Conditions:
Pyogenic arthritis-pyoderma gangrenosum-acne syndrome (PAPA). Also called: FAMILIAL RECURRENT ARTHRITIS; PAPA SYNDROME. Identifiers: Orphanet 69126, MedGen C1858361, MONDO:0011462, OMIM 604416.

Allele frequency attached by ClinVar (database versions not stated): gnomAD exomes below 0.00001 and 0.00002; TOPMed 0.00001.

Submissions (2):

Labcorp Genetics (formerly Invitae), Labcorp
Classification: Uncertain significance for Pyogenic arthritis-pyoderma gangrenosum-acne syndrome. Last evaluated: 2022-04-24. Review status: criteria provided, single submitter. Criteria: Invitae Variant Classification Sherloc (09022015). Collection method: clinical testing. Allele origin: germline.
Comment: In summary, the available evidence is currently insufficient to determine the role of this variant in disease. Therefore, it has been classified as a Variant of Uncertain Significance. ClinVar contains an entry for this variant (Variation ID: 534751). This variant has not been reported in the literature in individuals affected with PSTPIP1-related conditions. This variant is not present in population databases (gnomAD no frequency). This sequence change results in a frameshift in the PSTPIP1 gene (p.Val408Glyfs*56). While this is not anticipated to result in nonsense mediated decay, it is expected to disrupt the last 9 amino acid(s) of the PSTPIP1 protein and extend the protein by 46 additional amino acid residues.

Undiagnosed Diseases Network, NIH
Classification: Uncertain significance for Pyogenic arthritis-pyoderma gangrenosum-acne syndrome. Last evaluated: 2022-08-30. Review status: no assertion criteria provided. Collection method: clinical testing. Allele origin: unknown. Inheritance: X-linked inheritance. Affected: yes. Observed: 1 variant allele, 1 heterozygote. Study: Undiagnosed Diseases Network (NIH), UDN. Not counted in ClinVar's aggregate classification.

NM_003978.5(PSTPIP1):c.1222dup (p.Val408fs)

Gene: PSTPIP1 (proline-serine-threonine phosphatase interacting protein 1; plus strand). Cytogenetic location: 15q24.3.
Variant type: Duplication.
Coding change: c.1222dup on transcript NM_003978.5 (MANE Select); coding-DNA position 1222, one base duplicated (G; older notation c.1222dupG).
Protein change: p.Val408fs; shifts the reading frame from valine 408.
Molecular consequence: frameshift variant. On other transcripts: non-coding transcript variant (1).
Genome position (GRCh38, 1-based): chr15:77,037,147, G duplicated. VCF-style (leftmost placement, unchanged base first): chr15-77037146-C-CG. GRCh37 (hg19) VCF-style: chr15-77329487-C-CG.
Other names: p.Val408Glyfs*56; c.1222dupG (NM_003978.3); c.1165dup, p.Val389fs (NM_001321135.2); c.1195dup, p.Val399fs (NM_001321136.2); c.1417dup, p.Val473fs (NM_001321137.1); short protein forms V399fs, V408fs, V473fs, V389fs.
Identifiers: ClinVar variation 534751 (VCV000534751.10), dbSNP rs1392091785, ClinGen allele CA658798409.